The following is an entry in ClinVar:

NM_016373.4(WWOX):c.410-2A>G

Gene: WWOX (WW domain containing oxidoreductase; plus strand). Cytogenetic location: 16q23.1.
Variant type: single nucleotide variant.
Coding change: c.410-2A>G on transcript NM_016373.4 (MANE Select); the canonical splice acceptor site of the intron before coding-DNA position 410, A replaced by G.
Molecular consequence: splice acceptor variant.
Genome position (GRCh38, 1-based): chr16:78,164,181, A>G. VCF-style: chr16-78164181-A-G. GRCh37 (hg19) VCF-style: chr16-78198078-A-G.
Other names: c.71-2A>G (NM_001291997.2); c.410-2A>G (NM_130791.5).
Identifiers: ClinVar variation 4790401 (VCV004790401.1).

ClinVar aggregate classification (germline): Likely pathogenic (1 of 4 stars; one submission).

Conditions:
Autosomal recessive spinocerebellar ataxia 12. Also called: SPINOCEREBELLAR ATAXIA WITH MENTAL RETARDATION AND EPILEPSY. Identifiers: Orphanet 284282, MedGen C3280452, MONDO:0013687, OMIM 614322.
Developmental and epileptic encephalopathy, 1 (DEE1). Also called: X-linked infantile spasms; West's syndrome; Tonic spasms with clustering, arrest of psychomotor development and hypsarrhythmia on EEG; X-Linked Infantile Spasm Syndrome; OHTAHARA SYNDROME, X-LINKED; INFANTILE SPASM SYNDROME, X-LINKED 1. Identifiers: MedGen C3463992, MONDO:0010632, OMIM 308350. Disease mechanism: loss of function.

gnomAD v4.1: 2 of 1,613,524 alleles (0.00012%); highest among the groups gnomAD compares: Admixed American, 0.0017%; no homozygotes.

Submission:

Labcorp Genetics (formerly Invitae), Labcorp
Classification: Likely pathogenic for Developmental and epileptic encephalopathy, 1; Autosomal recessive spinocerebellar ataxia 12. Last evaluated: 2025-02-04. Review status: criteria provided, single submitter. Criteria: Invitae Variant Classification Sherloc (09022015). Collection method: clinical testing. Allele origin: germline.
Comment: This sequence change affects an acceptor splice site in intron 4 of the WWOX gene. It is expected to disrupt RNA splicing. Variants that disrupt the donor or acceptor splice site typically lead to a loss of protein function (PMID: 16199547), and loss-of-function variants in WWOX are known to be pathogenic (PMID: 24456803, 25411445). This variant is present in population databases (no rsID available, gnomAD 0.1%). This variant has not been reported in the literature in individuals affected with WWOX-related conditions. Algorithms developed to predict the effect of sequence changes on RNA splicing suggest that this variant may disrupt the consensus splice site. In summary, the currently available evidence indicates that the variant is pathogenic, but additional data are needed to prove that conclusively. Therefore, this variant has been classified as Likely Pathogenic.

Literature cited by the submitters: PubMed 16199547; PubMed 24456803; PubMed 25411445.